The following is an entry in ClinVar:

ClinVar aggregate classification (germline): Uncertain significance (1 of 4 stars; one submission).

Conditions:
Left ventricular noncompaction 1 (LVNC1). Also called: LEFT VENTRICULAR NONCOMPACTION 1 WITH OR WITHOUT CONGENITAL HEART DEFECTS. Identifiers: Orphanet 54260, MedGen C1858725, MONDO:0011403, OMIM 604169.

gnomAD v4.1: 2 of 1,613,858 alleles (0.00012%); highest among the groups gnomAD compares: Non-Finnish European, 0.00017%; no homozygotes.

Submission:

Labcorp Genetics (formerly Invitae), Labcorp
Classification: Uncertain significance for Left ventricular noncompaction 1. Last evaluated: 2025-05-21. Review status: criteria provided, single submitter. Criteria: Invitae Variant Classification Sherloc (09022015). Collection method: clinical testing. Allele origin: germline.
Comment: This sequence change replaces threonine, which is neutral and polar, with alanine, which is neutral and non-polar, at codon 212 of the DTNA protein (p.Thr212Ala). This variant is present in population databases (rs758486794, gnomAD 0.0009%). This variant has not been reported in the literature in individuals affected with DTNA-related conditions. Invitae Evidence Modeling of protein sequence and biophysical properties (such as structural, functional, and spatial information, amino acid conservation, physicochemical variation, residue mobility, and thermodynamic stability) indicates that this missense variant is not expected to disrupt DTNA protein function with a negative predictive value of 80%. In summary, the available evidence is currently insufficient to determine the role of this variant in disease. Therefore, it has been classified as a Variant of Uncertain Significance.

NM_001386795.1(DTNA):c.634A>G (p.Thr212Ala)

Gene: DTNA (dystrobrevin alpha; plus strand). Cytogenetic location: 18q12.1.
Variant type: single nucleotide variant.
Coding change: c.634A>G on transcript NM_001386795.1 (MANE Select); coding-DNA position 634, A replaced by G.
Protein change: p.Thr212Ala; replaces threonine 212 with alanine.
Molecular consequence: missense variant. On other transcripts: intron variant (1).
Genome position (GRCh38, 1-based): chr18:34,815,939, A>G. VCF-style: chr18-34815939-A-G. GRCh37 (hg19) VCF-style: chr18-32395903-A-G.
Other names: c.634A>G, p.Thr212Ala (NM_001386762.1, NM_001386763.1, NM_001386764.1 and 34 more transcripts); c.603+3826A>G (NM_001198945.2); short protein forms T212A.
Identifiers: ClinVar variation 4764002 (VCV004764002.1).
Genomic context (GRCh38, chr18:34,815,939, plus strand): 5'-CCTAAATTTATGGGGGGTTTTTTTATGCAGAAAAAAGTCACGTTAAATGGTTTCTTGGAC[A>G]CGCTTATGTCAGATCCTCCCCCGCAGTGTCTGGTCTGGTTGCCTCTTCTGCATCGACTAG-3'
Protein context (NP_001373724.1, residues 202-222): KKVTLNGFLD[Thr212Ala]LMSDPPPQCL